The following is an entry in ClinVar:

ClinVar aggregate classification (germline): Uncertain significance (1 of 4 stars; one submission).

Submission:

GeneDx
Classification: Uncertain significance. Last evaluated: 2024-03-12. Review status: criteria provided, single submitter. Criteria: GeneDx Variant Classification Process June 2021. Collection method: clinical testing. Allele origin: germline. Affected: yes.
Comment: Not observed at significant frequency in large population cohorts (gnomAD); In silico analysis supports that this missense variant has a deleterious effect on protein structure/function; Has not been previously published as pathogenic or benign to our knowledge; Variants in candidate genes are classified as variants of uncertain significance in accordance with ACMG guidelines (PMID: 25741868)

NM_018133.4(MSL2):c.1570A>T (p.Arg524Trp)

Gene: MSL2 (MSL complex subunit 2; minus strand). Cytogenetic location: 3q22.3.
Variant type: single nucleotide variant.
Coding change: c.1570A>T on transcript NM_018133.4 (MANE Select); coding-DNA position 1570, A replaced by T.
Protein change: p.Arg524Trp; replaces arginine 524 with tryptophan.
Molecular consequence: missense variant.
Genome position (GRCh38, 1-based): chr3:136,151,311, T>A on the plus strand (A>T on the coding strand, the complement: MSL2 is on the minus strand). VCF-style: chr3-136151311-T-A. GRCh37 (hg19) VCF-style: chr3-135870153-T-A.
Other names: c.1348A>T, p.Arg450Trp (NM_001145417.2); short protein forms R450W, R524W.
Identifiers: ClinVar variation 3370847 (VCV003370847.1).